The following is an entry in ClinVar:

NM_199420.4(POLQ):c.6376T>G (p.Ser2126Ala)

Gene: POLQ (DNA polymerase theta; minus strand). Cytogenetic location: 3q13.33.
Variant type: single nucleotide variant.
Coding change: c.6376T>G on transcript NM_199420.4 (MANE Select); coding-DNA position 6376, T replaced by G.
Protein change: p.Ser2126Ala; replaces serine 2126 with alanine.
Molecular consequence: missense variant.
Genome position (GRCh38, 1-based): chr3:121,476,569, A>C on the plus strand (T>G on the coding strand, the complement: POLQ is on the minus strand). VCF-style: chr3-121476569-A-C. GRCh37 (hg19) VCF-style: chr3-121195416-A-C.
Other names: short protein forms S2126A.
Identifiers: ClinVar variation 2625859 (VCV002625859.2), dbSNP rs777198453, ClinGen allele CA354086829.

ClinVar aggregate classification (germline): Uncertain significance (1 of 4 stars; one submission).

Submission:

Ambry Genetics
Classification: Uncertain significance. Last evaluated: 2023-08-11. Review status: criteria provided, single submitter. Criteria: Ambry Variant Classification Scheme 2023. Collection method: clinical testing. Allele origin: germline.
Comment: The p.S2126A variant (also known as c.6376T>G), located in coding exon 20 of the POLQ gene, results from a T to G substitution at nucleotide position 6376. The serine at codon 2126 is replaced by alanine, an amino acid with similar properties. This amino acid position is conserved. In addition, this alteration is predicted to be tolerated by in silico analysis. Since supporting evidence is limited at this time, the clinical significance of this alteration remains unclear.